The following is an entry in ClinVar:

NM_003482.4(KMT2D):c.12817C>G (p.Pro4273Ala)

Gene: KMT2D (lysine methyltransferase 2D; minus strand). Cytogenetic location: 12q13.12.
Variant type: single nucleotide variant.
Coding change: c.12817C>G on transcript NM_003482.4 (MANE Select); coding-DNA position 12817, C replaced by G.
Protein change: p.Pro4273Ala; replaces proline 4273 with alanine.
Molecular consequence: missense variant.
Genome position (GRCh38, 1-based): chr12:49,031,888, G>C on the plus strand (C>G on the coding strand, the complement: KMT2D is on the minus strand). VCF-style: chr12-49031888-G-C. GRCh37 (hg19) VCF-style: chr12-49425671-G-C.
Other names: short protein forms P4273A.
Identifiers: ClinVar variation 4997244 (VCV004997244.1).

ClinVar aggregate classification (germline): Uncertain significance (1 of 4 stars; one submission).

Conditions:
KMT2D-related disorder. Also called: KMT2D-Related Disorders.

Submission:

PreventionGenetics, part of Exact Sciences
Classification: Uncertain significance for KMT2D-related condition. Last evaluated: 2026-04-22. Review status: criteria provided, single submitter. Criteria: ACMG Guidelines, 2015. Collection method: clinical testing. Allele origin: germline.
Comment: The KMT2D c.12817C>G variant is predicted to result in the amino acid substitution p.Pro4273Ala. To our knowledge, this variant has not been reported in the literature. This variant is reported in 0.0062% of alleles in individuals of South Asian descent in gnomAD. At this time, the clinical significance of this variant is uncertain due to the absence of conclusive functional and genetic evidence.